The following is an entry in ClinVar:

ClinVar aggregate classification (germline): Pathogenic (1 of 4 stars; one submission).

Conditions:
Infantile neuroaxonal dystrophy (NBIA2A). Also called: NEURODEGENERATION WITH BRAIN IRON ACCUMULATION 2A; SEITELBERGER DISEASE; Infantile neuroaxonal dystrophy 1. Identifiers: Orphanet 35069, MedGen C0270724, MONDO:0024457, OMIM 256600.

Submission:

Labcorp Genetics (formerly Invitae), Labcorp
Classification: Pathogenic for Infantile neuroaxonal dystrophy. Last evaluated: 2023-12-25. Review status: criteria provided, single submitter. Criteria: Invitae Variant Classification Sherloc (09022015). Collection method: clinical testing. Allele origin: germline.
Comment: This variant is a gross deletion of the genomic region encompassing exon(s) 2 of the PLA2G6 gene, which includes the initiator codon. This deletion extends beyond the assayed region for this gene and therefore may encompass additional genes. It is expected to result in an absent or disrupted protein product. Loss-of-function variants in PLA2G6 are known to be pathogenic (PMID: 16783378, 18570303, 18799783, 22213678). This variant has not been reported in the literature in individuals affected with PLA2G6-related conditions. For these reasons, this variant has been classified as Pathogenic.

Literature cited by the submitters: PubMed 16783378; PubMed 18570303; PubMed 18799783; PubMed 22213678.

NC_000022.10:g.(?_38565205)_(38565433_?)del

Gene: PLA2G6 (phospholipase A2 group VI; minus strand). Cytogenetic location: 22q13.1.
Variant type: Deletion.
Identifiers: ClinVar variation 1453196 (VCV001453196.5).